The following is an entry in ClinVar:

ClinVar aggregate classification (germline): Uncertain significance (1 of 4 stars; one submission).

Submission:

GeneDx
Classification: Uncertain significance. Last evaluated: 2021-06-24. Review status: criteria provided, single submitter. Criteria: GeneDx Variant Classification Process June 2021. Collection method: clinical testing. Allele origin: germline. Affected: yes.
Comment: Not observed at significant frequency in large population cohorts (Lek et al., 2016); In silico analysis supports that this missense variant has a deleterious effect on protein structure/function; Has not been previously published as pathogenic or benign to our knowledge; This variant is associated with the following publications: (PMID: 27535533)

NM_013296.5(GPSM2):c.605G>A (p.Gly202Glu)

Gene: GPSM2 (G protein signaling modulator 2; plus strand). Cytogenetic location: 1p13.3.
Variant type: single nucleotide variant.
Coding change: c.605G>A on transcript NM_013296.5 (MANE Select); coding-DNA position 605, G replaced by A.
Protein change: p.Gly202Glu; replaces glycine 202 with glutamic acid.
Molecular consequence: missense variant.
Genome position (GRCh38, 1-based): chr1:108,898,689, G>A. VCF-style: chr1-108898689-G-A. GRCh37 (hg19) VCF-style: chr1-109441311-G-A.
Other names: c.605G>A, p.Gly202Glu (NM_001321039.3, NM_001321038.2); short protein forms G202E.
Identifiers: ClinVar variation 1329534 (VCV001329534.2), dbSNP rs2101410255, ClinGen allele CA341459146.